The following is an entry in ClinVar:

NM_178865.5(SERINC2):c.364C>G (p.Arg122Gly)

Gene: SERINC2 (serine incorporator 2; plus strand). Cytogenetic location: 1p35.2.
Variant type: single nucleotide variant.
Coding change: c.364C>G on transcript NM_178865.5 (MANE Select); coding-DNA position 364, C replaced by G.
Protein change: p.Arg122Gly; replaces arginine 122 with glycine.
Molecular consequence: missense variant.
Genome position (GRCh38, 1-based): chr1:31,424,845, C>G. VCF-style: chr1-31424845-C-G. GRCh37 (hg19) VCF-style: chr1-31897692-C-G.
Other names: c.376C>G, p.Arg126Gly (NM_018565.4, NM_001199037.2); c.391C>G, p.Arg131Gly (NM_001199038.2); c.199C>G, p.Arg67Gly (NM_001199039.2); short protein forms R122G, R126G, R131G, R67G.
Identifiers: ClinVar variation 2638600 (VCV002638600.24), dbSNP rs183001614, ClinGen allele CA730785.

ClinVar aggregate classification (germline): Likely benign (1 of 4 stars; one submission).

Submission:

CeGaT Center for Human Genetics Tuebingen
Classification: Likely benign. Last evaluated: 2022-11-01. Review status: criteria provided, single submitter. Criteria: CeGaT Center For Human Genetics Tuebingen Variant Classification Criteria Version 2. Collection method: clinical testing. Allele origin: germline. Affected: yes. Observed: 1 variant allele.
Comment: SERINC2: BP4